The following is an entry in ClinVar:

NC_012920.1(MT-ND5):m.13568T>C

Gene: MT-ND5 (mitochondrially encoded NADH dehydrogenase 5; plus strand).
Variant type: single nucleotide variant.
Genome position: chrM-13568-T-C.
Identifiers: ClinVar variation 693573 (VCV000693573.1), dbSNP rs1603224237, ClinGen allele CA414818578.

ClinVar aggregate classification (germline): Uncertain significance (1 of 4 stars; one submission).

Conditions:
Leigh syndrome (NULS). Also called: Leigh's necrotizing encephalopathy; Leigh's disease; Leigh Syndrome (mtDNA deletion); Leigh Disease; Subacute necrotizing encephalopathy; Necrotizing encephalopathy infantile subacute of Leigh. Identifiers: Orphanet 506, MedGen C2931891, MONDO:0009723, OMIM 256000.

Submission:

Wong Mito Lab, Molecular and Human Genetics, Baylor College of Medicine
Classification: Uncertain significance for Leigh syndrome. Last evaluated: 2019-10-17. Review status: criteria provided, single submitter. Criteria: Modified ACMG Guidelines (Unpublished). Collection method: clinical testing. Allele origin: germline.
Comment: The NC_012920.1:m.13568T>C (YP_003024036.1:p.Ile411Thr) variant in MTND5 gene is interpretated to be a Uncertain Significance variant based on the modified ACMG guidelines (unpublished). This variant meets the following evidence codes: PP7, BP4